The following is an entry in ClinVar:

ClinVar aggregate classification (germline): Uncertain significance. Review status: criteria provided, multiple submitters, no conflicts (2 of 4 stars). 2 submissions from 2 submitters: Uncertain significance (2). Last evaluated 2025-11-02.

Conditions:
Inborn genetic diseases. Identifiers: MedGen C0950123, MeSH D030342.
Deafness-lymphedema-leukemia syndrome. Also called: Emberger syndrome; Lymphedema, primary, with myelodysplasia. Identifiers: Orphanet 3226, MedGen C3279664, MONDO:0013540, OMIM 614038.
Monocytopenia with susceptibility to infections. Also called: MONOCYTOPENIA AND MYCOBACTERIAL INFECTION SYNDROME; MONOCYTOPENIA WITH SUSCEPTIBILITY TO MYCOBACTERIAL, FUNGAL, AND PAPILLOMAVIRUS INFECTIONS AND MYELODYSPLASIA; COMBINED IMMUNODEFICIENCY WITH SUSCEPTIBILITY TO MYCOBACTERIAL, VIRAL, AND FUNGAL INFECTIONS; Dendritic cell, monocyte, B lymphocyte, and natural killer lymphocyte deficiency; IMMUNODEFICIENCY 21; GATA2 DEFICIENCY. Identifiers: Orphanet 228423, MedGen C3280030, MONDO:0013607, OMIM 614172.

Allele frequency attached by ClinVar (database versions not stated): gnomAD exomes below 0.00001; ExAC 0.00001.

Submissions (2):

Ambry Genetics
Classification: Uncertain significance for Inborn genetic diseases. Last evaluated: 2025-11-02. Review status: criteria provided, single submitter. Criteria: Ambry Variant Classification Scheme 2023. Collection method: clinical testing. Allele origin: germline.
Comment: The p.P14R variant (also known as c.41C>G), located in coding exon 1 of the GATA2 gene, results from a C to G substitution at nucleotide position 41. The proline at codon 14 is replaced by arginine, an amino acid with dissimilar properties. This amino acid position is conserved. In addition, the in silico prediction for this alteration is inconclusive. Based on the available evidence, the clinical significance of this variant remains unclear.

Labcorp Genetics (formerly Invitae), Labcorp
Classification: Uncertain significance for Monocytopenia with susceptibility to infections; Deafness-lymphedema-leukemia syndrome. Last evaluated: 2021-08-16. Review status: criteria provided, single submitter. Criteria: Invitae Variant Classification Sherloc (09022015). Collection method: clinical testing. Allele origin: germline.
Comment: This sequence change replaces proline with arginine at codon 14 of the GATA2 protein (p.Pro14Arg). The proline residue is weakly conserved and there is a moderate physicochemical difference between proline and arginine. This variant is present in population databases (rs780089207, ExAC 0.002%). This variant has not been reported in the literature in individuals with GATA2-related conditions. Advanced modeling of protein sequence and biophysical properties (such as structural, functional, and spatial information, amino acid conservation, physicochemical variation, residue mobility, and thermodynamic stability) performed at Invitae indicates that this missense variant is not expected to disrupt GATA2 protein function. In summary, the available evidence is currently insufficient to determine the role of this variant in disease. Therefore, it has been classified as a Variant of Uncertain Significance.

NM_032638.5(GATA2):c.41C>G (p.Pro14Arg)

Gene: GATA2 (GATA binding protein 2; minus strand). Cytogenetic location: 3q21.3.
Variant type: single nucleotide variant.
Coding change: c.41C>G on transcript NM_032638.5 (MANE Select); coding-DNA position 41, C replaced by G.
Protein change: p.Pro14Arg; replaces proline 14 with arginine.
Molecular consequence: missense variant.
Genome position (GRCh38, 1-based): chr3:128,486,991, G>C on the plus strand (C>G on the coding strand, the complement: GATA2 is on the minus strand). VCF-style: chr3-128486991-G-C. GRCh37 (hg19) VCF-style: chr3-128205834-G-C.
Other names: c.41C>G (NM_032638.4); c.41C>G, p.Pro14Arg (NM_001145661.2, NM_001145662.1); short protein forms P14R.
Identifiers: ClinVar variation 1509598 (VCV001509598.9), dbSNP rs780089207, ClinGen allele CA2600118.